The following is an entry in ClinVar:

ClinVar aggregate classification (germline): Conflicting classifications of pathogenicity. Review status: criteria provided, conflicting classifications (1 of 4 stars). 3 submissions from 3 submitters: Uncertain significance (1); Likely benign (2). Last evaluated 2026-01-18.

Conditions:
ADGRV1-related disorder. Also called: ADGRV1-related condition; ADGRV1-related disorders.

Allele frequency attached by ClinVar (database versions not stated): gnomAD exomes 0.00003 and 0.00020; gnomAD 0.00004; TOPMed 0.00013; ExAC 0.00022.
gnomAD v4.1: 45 of 1,612,528 alleles (0.0028%); highest among the groups gnomAD compares: East Asian, 0.089%; no homozygotes.

Submissions (3):

Labcorp Genetics (formerly Invitae), Labcorp
Classification: Likely benign. Last evaluated: 2026-01-18. Review status: criteria provided, single submitter. Criteria: Invitae Variant Classification Sherloc (09022015). Collection method: clinical testing. Allele origin: germline.

PreventionGenetics, part of Exact Sciences
Classification: Likely benign for ADGRV1-related condition. Last evaluated: 2025-09-23. Review status: criteria provided, single submitter. Criteria: ACMG Guidelines, 2015. Collection method: clinical testing. Allele origin: germline.
Comment: This variant is classified as likely benign based on ACMG/AMP sequence variant interpretation guidelines (Richards et al. 2015 PMID: 25741868, with internal and published modifications).

Blueprint Genetics
Classification: Uncertain significance. Last evaluated: 2024-01-30. Review status: criteria provided, single submitter. Criteria: ACMG Guidelines, 2015. Collection method: clinical testing. Allele origin: germline.

NM_032119.4(ADGRV1):c.9701C>T (p.Ala3234Val)

Gene: ADGRV1 (adhesion G protein-coupled receptor V1; plus strand). Cytogenetic location: 5q14.3.
Variant type: single nucleotide variant.
Coding change: c.9701C>T on transcript NM_032119.4 (MANE Select); coding-DNA position 9701, C replaced by T.
Protein change: p.Ala3234Val; replaces alanine 3234 with valine.
Molecular consequence: missense variant. On other transcripts: non-coding transcript variant (1).
Genome position (GRCh38, 1-based): chr5:90,721,012, C>T. VCF-style: chr5-90721012-C-T. GRCh37 (hg19) VCF-style: chr5-90016829-C-T.
Other names: c.9701C>T (NM_032119.3); short protein forms A3234V.
Identifiers: ClinVar variation 1127927 (VCV001127927.11), dbSNP rs760303081, ClinGen allele CA3340576.